The following is an entry in ClinVar:

ClinVar aggregate classification (germline): Likely benign (1 of 4 stars; one submission).

Allele frequency attached by ClinVar (database versions not stated): gnomAD exomes 0.00039; 1000 Genomes Project 30x 0.00312; 1000 Genomes Project 0.00339.
gnomAD v4.1: 517 of 256,036 alleles (0.2%); highest among the groups gnomAD compares: African/African-American, 1.1%; 3 homozygotes.

Submission:

CeGaT Center for Human Genetics Tuebingen
Classification: Likely benign. Last evaluated: 2023-05-01. Review status: criteria provided, single submitter. Criteria: CeGaT Center For Human Genetics Tuebingen Variant Classification Criteria Version 2. Collection method: clinical testing. Allele origin: germline. Affected: yes. Observed: 1 variant allele.
Comment: PAFAH1B1: BS1

NM_000430.4(PAFAH1B1):c.-191+19512G>T

Gene: PAFAH1B1 (platelet activating factor acetylhydrolase 1b regulatory subunit 1; plus strand). Cytogenetic location: 17p13.3.
Variant type: single nucleotide variant.
Coding change: c.-191+19512G>T on transcript NM_000430.4 (MANE Select); 19512 bases into the intron after 191 bases upstream of the start codon, G replaced by T.
Molecular consequence: intron variant.
Genome position (GRCh38, 1-based): chr17:2,613,518, G>T. VCF-style: chr17-2613518-G-T. GRCh37 (hg19) VCF-style: chr17-2516812-G-T.
Identifiers: ClinVar variation 2647219 (VCV002647219.24), dbSNP rs372110012, ClinGen allele CA286566206.